The following is an entry in ClinVar:

ClinVar aggregate classification (germline): Conflicting classifications of pathogenicity. Review status: criteria provided, conflicting classifications (1 of 4 stars). 12 submissions from 12 submitters: Likely pathogenic (3); Uncertain significance (7). 2 of the submissions do not count toward it. Last evaluated 2026-05-19.

Conditions:
CFTR-related disorder (CFTR-RD). Also called: CFTR-related condition; CFTR-related disorders. Identifiers: MedGen C5924204, MONDO:7770004.
Cystic fibrosis (CF). Also called: MUCOVISCIDOSIS. Identifiers: Orphanet 586, MedGen C0010674, MONDO:0009061, OMIM 219700. Disease mechanism: loss of function.

Allele frequency attached by ClinVar (database versions not stated): TOPMed below 0.00001; ExAC 0.00001; gnomAD 0.00001; gnomAD exomes 0.00001 and 0.00002.
gnomAD v4.1: 29 of 1,613,950 alleles (0.0018%); highest among the groups gnomAD compares: Non-Finnish European, 0.0025%; no homozygotes.

Submissions (12):

Ambry Genetics
Classification: Uncertain significance for Cystic fibrosis. Last evaluated: 2026-05-19. Review status: criteria provided, single submitter. Criteria: Ambry Variant Classification Scheme 2023. Collection method: clinical testing. Allele origin: germline.
Comment: The p.H949L variant (also known as c.2846A>T), located in coding exon 17 of the CFTR gene, results from an A to T substitution at nucleotide position 2846. The histidine at codon 949 is replaced by leucine, an amino acid with similar properties. This variant was detected in an individual with atypical cystic fibrosis (CF), whose symptoms included sinus problems and inconclusive sweat test results (McGinniss MJ et al. Hum. Genet., 2005 Dec;118:331-8). This variant was also reported as part of a complex allele [H939R;H949L] in five individuals from an Italian CF cohort, all of whom had another CFTR variant identified as in trans; four of the cases had classic CF phenotypes, and one had CFTR-related disease (Polizzi A et al. Genet. Mol. Biol., 2011 Jul;34:416-20). In an assay testing CFTR function, this variant showed a functionally abnormal result (Bihler H et al. J Cyst Fibros, 2024 Jul;23:664-675). This amino acid position is highly conserved in available vertebrate species. In addition, this alteration is predicted to be deleterious by in silico analysis. Based on the available evidence, the clinical significance of this variant remains unclear.

Women's Health and Genetics/Laboratory Corporation of America, LabCorp
Classification: Likely pathogenic for Cystic fibrosis. Last evaluated: 2025-08-18. Review status: criteria provided, single submitter. Criteria: LabCorp Variant Classification Summary - May 2015. Collection method: clinical testing. Allele origin: germline.
Comment: Variant summary: CFTR c.2846A>T (p.His949Leu) results in a non-conservative amino acid change located in the ABC transporter type 1, transmembrane domain (IPR011527) of the encoded protein sequence. Algorithms developed to predict the effect of missense changes on protein structure and function all suggest that this variant is likely to be disruptive. The variant allele was found at a frequency of 8e-06 in 251382 control chromosomes. c.2846A>T has been observed in at least one individual with atypical CF and equivocal sweat chloride levels (e.g., McGinniss_2005). It has also been reported as a complex allele in cis with p.H939R and another disease causing CF variant in trans (i.e., compound heterozygous genotype) in patients with CF (at least four ascertainments) and CFTR-RD (at least one ascertainment) (e.g., Polizzi_2011, Diana_2016, Paganin_2015). At least one publication reports experimental evidence evaluating an impact on protein function. The most pronounced variant effect resulted in approximately 8% of normal chloride channel conductance relative to wild type (e.g., Bihler_2024). The following publications have been ascertained in the context of this evaluation (PMID: 38388235, 26911355, 16189704, 25898134, 21931512). ClinVar contains an entry for this variant (Variation ID: 53578). Based on the evidence outlined above, the variant was classified as likely pathogenic.

Quest Diagnostics Nichols Institute San Juan Capistrano
Classification: Uncertain significance. Last evaluated: 2025-05-01. Review status: criteria provided, single submitter. Criteria: Quest Diagnostics criteria. Collection method: clinical testing. Allele origin: unknown.
Comment: The CFTR c.[2816A>G;2846A>T] (p.[His939Arg; His949Leu]) complex allele has been reported in the published literature in trans with other pathogenic variants in CFTR in multiple individuals affected with cystic fibrosis (CF) (PMID: 21931512 (2011), 25898134 (2015), 26911355 (2016)) and CFTR-related disease (PMID: 21931512 (2011)). One functional study reported this complex allele resulted in <10% of protein function compared to wild type (PMID: 38388235 (2024)). The frequency of this variant in the general population (Genome Aggregation Database) is uninformative in the assessment of its pathogenicity. Analysis of this variant using bioinformatics tools for the prediction of the effect of amino acid changes on protein structure and function yielded predictions that this variant is damaging. Based on the available information, this variant is classified as likely pathogenic.

PreventionGenetics, part of Exact Sciences
Classification: Uncertain significance for CFTR-related condition. Last evaluated: 2025-04-10. Review status: criteria provided, single submitter. Criteria: ACMG Guidelines, 2015. Collection method: clinical testing. Allele origin: germline.
Comment: The CFTR c.2846A>T variant is predicted to result in the amino acid substitution p.His949Leu. This variant is alternatively referred to as H949L in the literature. It has been reported along with the 5T allele, phase could not be determined, in an individual with CFTR-related disease (CFTR-RD) (McGinniss et al. 2005. PubMed ID: 16189704). It has also been reported as a complex allele, in cis, [H939R;H949L] and this complex allele was found in trans, on the opposite allele, to a causative CFTR variant in four individuals with cystic fibrosis (CF) and one individual with CFTR-RD (Polizzi et al. 2011. PubMed ID: 21931512). A functional study showed baseline activity for this variant was <10% of wild-type (Bihler et al. 2024. PubMed ID: 38388235). This variant is reported in 0.0039% of alleles in individuals of European (non-Finnish) descent in gnomAD. Although we suspect that this variant may be pathogenic, at this time, the clinical significance of this variant is uncertain due to the absence of conclusive functional and genetic evidence.

Dasa
Classification: Uncertain significance. Last evaluated: 2025-03-11. Review status: criteria provided, single submitter. Criteria: DASA Assertion Criteria. Collection method: clinical testing. Allele origin: germline.
Comment: NM_000492.4(CFTR):c.2846A>T (p.His949Leu) is a missense variant that results in the substitution of histidine with leucine. This variant has been recurrently observed in individuals with CFTR-related disorders (PMID: 26911355; PMID: 25898134; PMID: 21931512). Functional evidence supports an impact on the gene or gene product. Also, this variant is rare in population databases. Computational prediction algorithms are consistent with a deleterious effect. The currently available literature and clinical evidence are not sufficient to establish a definitive association between this variant and the reported condition. Therefore, this variant is classified as a variant of uncertain significance.

GeneDx
Classification: Likely pathogenic. Last evaluated: 2025-01-02. Review status: criteria provided, single submitter. Criteria: GeneDx Variant Classification Process June 2021. Collection method: clinical testing. Allele origin: germline. Affected: yes.
Comment: Published functional studies demonstrate a significant damaging effect on chloride channel activity and protein maturation rate similar to severe CF-causing variants (PMID: 38388235); Observed multiple times with p.H939R on the same allele (in cis) and with a pathogenic variant on the opposite allele (in trans) in unrelated patients with cystic fibrosis in the published literature (PMID: 21931512); In silico analysis supports that this missense variant has a deleterious effect on protein structure/function; This variant is associated with the following publications: (PMID: 16189704, 26911355, 25898134, 38611676, 21931512, 39262237, 38388235)

Blueprint Genetics
Classification: Uncertain significance. Last evaluated: 2022-10-17. Review status: criteria provided, single submitter. Criteria: ACMG Guidelines, 2015. Collection method: clinical testing. Allele origin: germline.

Labcorp Genetics (formerly Invitae), Labcorp
Classification: Uncertain significance for Cystic fibrosis. Last evaluated: 2022-05-20. Review status: criteria provided, single submitter. Criteria: Invitae Variant Classification Sherloc (09022015). Collection method: clinical testing. Allele origin: germline.
Comment: This sequence change replaces histidine, which is basic and polar, with leucine, which is neutral and non-polar, at codon 949 of the CFTR protein (p.His949Leu). This variant is present in population databases (rs397508444, gnomAD 0.004%). This missense change has been observed in individual(s) with clinical features of cystic fibrosis (PMID: 16189704, 21931512). ClinVar contains an entry for this variant (Variation ID: 53578). Algorithms developed to predict the effect of missense changes on protein structure and function (SIFT, PolyPhen-2, Align-GVGD) all suggest that this variant is likely to be disruptive. In summary, the available evidence is currently insufficient to determine the role of this variant in disease. Therefore, it has been classified as a Variant of Uncertain Significance.

Johns Hopkins Genomics, Johns Hopkins University
Classification: Uncertain significance for Cystic fibrosis. Last evaluated: 2020-05-08. Review status: criteria provided, single submitter. Criteria: ACMG Guidelines, 2015. Collection method: clinical testing. Allele origin: germline.
Comment: There is an entry in ClinVar for this variant and it (rs397508444) is rare (<0.1%) in a large population dataset (gnomAD: 5/282786 total alleles; 0.0018%; no homozygotes). Three bioinformatic tools queried predict that this substitution would probably be damaging and the histidine residue at this position is evolutionarily conserved across all species assessed. c.2846A>T has been reported as part of a complex allele on the same chromosome as c.2816A>G in multiple individuals. Due to insufficient evidence, we consider the clinical significance of c.2846C>T to be uncertain at this time.

Mendelics
Classification: Likely pathogenic for Cystic fibrosis. Last evaluated: 2019-05-28. Review status: criteria provided, single submitter. Criteria: Mendelics Assertion Criteria 2017. Collection method: clinical testing. Allele origin: unknown.

Natera, Inc.
Classification: Uncertain significance for CFTR-related disorders. Last evaluated: 2018-12-14. Review status: no assertion criteria provided. Collection method: clinical testing. Allele origin: germline. Not counted in ClinVar's aggregate classification.

ClinVar Staff, National Center for Biotechnology Information (NCBI)
No classification provided. Condition: CFTR-related disorders. Review status: no classification provided. Collection method: literature only. Allele origin: germline. Affected: yes. Not counted in ClinVar's aggregate classification.

Literature cited by the submitters: PubMed 16189704 (cited by 6 submitters); PubMed 21931512 (cited by 6 submitters); PubMed 38388235 (cited by 4 submitters); PubMed 26911355 (cited by 3 submitters); PubMed 25898134 (cited by 3 submitters).

NM_000492.4(CFTR):c.2846A>T (p.His949Leu)

Gene: CFTR (CF transmembrane conductance regulator; plus strand). Cytogenetic location: 7q31.2.
Variant type: single nucleotide variant.
Coding change: c.2846A>T on transcript NM_000492.4 (MANE Select); coding-DNA position 2846, A replaced by T.
Protein change: p.His949Leu; replaces histidine 949 with leucine.
Molecular consequence: missense variant.
Genome position (GRCh38, 1-based): chr7:117,603,720, A>T. VCF-style: chr7-117603720-A-T. GRCh37 (hg19) VCF-style: chr7-117243774-A-T.
Other names: short protein forms H949L.
Identifiers: ClinVar variation 53578 (VCV000053578.24), dbSNP rs397508444, ClinGen allele CA326942.